The following is an entry in ClinVar:

NM_014271.4(IL1RAPL1):c.322_323delinsTT (p.Thr108Leu)

Gene: IL1RAPL1 (interleukin 1 receptor accessory protein like 1; plus strand). Cytogenetic location: Xp21.3.
Variant type: Indel.
Coding change: c.322_323delinsTT on transcript NM_014271.4 (MANE Select); coding-DNA positions 322 to 323, AC replaced by TT.
Protein change: p.Thr108Leu; replaces threonine 108 with leucine.
Molecular consequence: missense variant.
Genome position (GRCh38, 1-based): chrX:29,283,177-29,283,178, AC replaced by TT. VCF-style: chrX-29283177-AC-TT. GRCh37 (hg19) VCF-style: chrX-29301294-AC-TT.
Other names: c.322_323delinsTT (NM_014271.3); short protein forms T108L.
Identifiers: ClinVar variation 4707893 (VCV004707893.2).

ClinVar aggregate classification (germline): Uncertain significance. Review status: criteria provided, multiple submitters, no conflicts (2 of 4 stars). 2 submissions from 2 submitters: Uncertain significance (2). Last evaluated 2025-11-09.

Submissions (2):

Labcorp Genetics (formerly Invitae), Labcorp
Classification: Uncertain significance. Last evaluated: 2025-11-09. Review status: criteria provided, single submitter. Criteria: Invitae Variant Classification Sherloc (09022015). Collection method: clinical testing. Allele origin: germline.
Comment: This sequence change replaces threonine, which is neutral and polar, with leucine, which is neutral and non-polar, at codon 108 of the IL1RAPL1 protein (p.Thr108Leu). Information on the frequency of this variant in the gnomAD database is not available, as this variant may be reported differently in the database. This variant has not been reported in the literature in individuals affected with IL1RAPL1-related conditions. An algorithm developed to predict the effect of missense changes on protein structure and function (PolyPhen-2) suggests that this variant is likely to be tolerated. In summary, the available evidence is currently insufficient to determine the role of this variant in disease. Therefore, it has been classified as a Variant of Uncertain Significance.

GeneDx
Classification: Uncertain significance. Last evaluated: 2025-08-13. Review status: criteria provided, single submitter. Criteria: GeneDx Variant Classification Process June 2021. Collection method: clinical testing. Allele origin: germline. Affected: yes.
Comment: Not observed at significant frequency in large population cohorts (gnomAD); In silico analysis supports a deleterious effect on protein structure/function; In silico analysis suggests this variant may impact gene splicing. In the absence of RNA/functional studies, the actual effect of this sequence change is unknown.; Has not been previously published as pathogenic or benign to our knowledge